The following is an entry in ClinVar:

ClinVar aggregate classification (germline): Uncertain significance. Review status: criteria provided, multiple submitters, no conflicts (2 of 4 stars). 4 submissions from 4 submitters: Uncertain significance (4). Last evaluated 2022-07-03.

Conditions:
Inborn genetic diseases. Identifiers: MedGen C0950123, MeSH D030342.

Allele frequency attached by ClinVar (database versions not stated): gnomAD exomes below 0.00001 and 0.00002; ExAC 0.00001; gnomAD 0.00001 and 0.00003; TOPMed 0.00001; ESP Exome Variant Server 0.00008.
gnomAD v4.1: 49 of 1,612,514 alleles (0.003%); highest among the groups gnomAD compares: Middle Eastern, 0.56%; no homozygotes.

Submissions (4):

Labcorp Genetics (formerly Invitae), Labcorp
Classification: Uncertain significance. Last evaluated: 2022-07-03. Review status: criteria provided, single submitter. Criteria: Invitae Variant Classification Sherloc (09022015). Collection method: clinical testing. Allele origin: germline.
Comment: This sequence change replaces arginine, which is basic and polar, with lysine, which is basic and polar, at codon 956 of the MCM3AP protein (p.Arg956Lys). This variant is present in population databases (rs376103069, gnomAD 0.0009%). This variant has not been reported in the literature in individuals affected with MCM3AP-related conditions. ClinVar contains an entry for this variant (Variation ID: 809307). Algorithms developed to predict the effect of missense changes on protein structure and function output the following: SIFT: "Tolerated"; PolyPhen-2: "Benign"; Align-GVGD: "Class C0". The lysine amino acid residue is found in multiple mammalian species, which suggests that this missense change does not adversely affect protein function. Algorithms developed to predict the effect of sequence changes on RNA splicing suggest that this variant may disrupt the consensus splice site. In summary, the available evidence is currently insufficient to determine the role of this variant in disease. Therefore, it has been classified as a Variant of Uncertain Significance.

Ambry Genetics
Classification: Uncertain significance for Inborn genetic diseases. Last evaluated: 2022-01-26. Review status: criteria provided, single submitter. Criteria: Ambry Variant Classification Scheme 2023. Collection method: clinical testing. Allele origin: germline.

CeGaT Center for Human Genetics Tuebingen
Classification: Uncertain significance. Last evaluated: 2019-06-01. Review status: criteria provided, single submitter. Criteria: CeGaT Center For Human Genetics Tuebingen Variant Classification Criteria Version 2. Collection method: clinical testing. Allele origin: germline. Affected: yes. Observed: 1 variant allele.

Breakthrough Genomics
Classification: Uncertain significance. Review status: criteria provided, single submitter. Criteria: ACMG Guidelines, 2015. Collection method: not provided. Allele origin: germline. Inheritance: Autosomal dominant inheritance. Affected: yes.

NM_003906.5(MCM3AP):c.2867G>A (p.Arg956Lys)

Gene: MCM3AP (minichromosome maintenance complex component 3 associated protein; minus strand). Cytogenetic location: 21q22.3.
Variant type: single nucleotide variant.
Coding change: c.2867G>A on transcript NM_003906.5 (MANE Select); coding-DNA position 2867, G replaced by A.
Protein change: p.Arg956Lys; replaces arginine 956 with lysine.
Molecular consequence: missense variant.
Genome position (GRCh38, 1-based): chr21:46,266,089, C>T on the plus strand (G>A on the coding strand, the complement: MCM3AP is on the minus strand). VCF-style: chr21-46266089-C-T. GRCh37 (hg19) VCF-style: chr21-47686003-C-T.
Other names: c.2867G>A (NM_003906.3); short protein forms R956K.
Identifiers: ClinVar variation 809307 (VCV000809307.45), dbSNP rs376103069, ClinGen allele CA10076704.